The following is an entry in ClinVar:

ClinVar aggregate classification (germline): Likely benign (1 of 4 stars; one submission).

Conditions:
DST-related disorder. Also called: DST-related disorders; DST-related condition.

gnomAD v4.1: 41 of 1,536,668 alleles (0.0027%); highest among the groups gnomAD compares: Non-Finnish European, 0.0034%; no homozygotes.

Submission:

PreventionGenetics, part of Exact Sciences
Classification: Likely benign for DST-related condition. Last evaluated: 2026-03-23. Review status: criteria provided, single submitter. Criteria: ACMG Guidelines, 2015. Collection method: clinical testing. Allele origin: germline.
Comment: This variant is classified as likely benign based on ACMG/AMP sequence variant interpretation guidelines (Richards et al. 2015 PMID: 25741868, with internal and published modifications).

NM_001374736.1(DST):c.687+9T>G

Gene: DST (dystonin; minus strand). Cytogenetic location: 6p12.1.
Variant type: single nucleotide variant.
Coding change: c.687+9T>G on transcript NM_001374736.1 (MANE Select); 9 bases into the intron after coding-DNA position 687, T replaced by G.
Molecular consequence: intron variant.
Genome position (GRCh38, 1-based): chr6:56,735,219, A>C on the plus strand (T>G on the coding strand, the complement: DST is on the minus strand). VCF-style: chr6-56735219-A-C. GRCh37 (hg19) VCF-style: chr6-56600017-A-C.
Other names: c.687+9T>G (NM_001144769.5, NM_001374722.1); c.714+9T>G (NM_001374734.1); c.273+9T>G (NM_001144770.2); c.153+9T>G (NM_001374730.1, NM_001386100.1, NM_183380.4 and 1 more transcripts).
Identifiers: ClinVar variation 4989466 (VCV004989466.1).